The following is an entry in ClinVar:

NM_006206.6(PDGFRA):c.1121+1G>C

Gene: PDGFRA (platelet derived growth factor receptor alpha; plus strand). Cytogenetic location: 4q12.
Variant type: single nucleotide variant.
Coding change: c.1121+1G>C on transcript NM_006206.6 (MANE Select); the canonical splice donor site of the intron after coding-DNA position 1121, G replaced by C.
Molecular consequence: splice donor variant.
Genome position (GRCh38, 1-based): chr4:54,267,742, G>C. VCF-style: chr4-54267742-G-C. GRCh37 (hg19) VCF-style: chr4-55133909-G-C.
Other names: c.1196+1G>C (NM_001347828.2); c.1121+1G>C (NM_001347827.2, NM_001347829.2); c.1160+1G>C (NM_001347830.2).
Identifiers: ClinVar variation 4843863 (VCV004843863.1).

ClinVar aggregate classification (germline): Uncertain significance (1 of 4 stars; one submission).

Conditions:
Hereditary cancer-predisposing syndrome. Also called: Neoplastic Syndromes, Hereditary; Tumor predisposition; Hereditary Cancer Syndrome; Hereditary neoplastic syndrome. Identifiers: Orphanet 140162, MedGen C0027672, MeSH D009386, MONDO:0015356.

Submission:

Ambry Genetics
Classification: Uncertain significance for Hereditary cancer-predisposing syndrome. Last evaluated: 2026-01-05. Review status: criteria provided, single submitter. Criteria: Ambry Variant Classification Scheme 2023. Collection method: clinical testing. Allele origin: germline.
Comment: The c.1121+1G>C intronic variant results from a G to C substitution one nucleotide after coding exon 6 of the PDGFRA gene. This nucleotide position is highly conserved in available vertebrate species. In silico splice site analysis predicts that this alteration will weaken the native splice donor site. Alterations that disrupt the canonical splice site are expected to cause aberrant splicing, resulting in an abnormal protein or a transcript that is subject to nonsense-mediated mRNA decay. However, loss of function has not been established as a mechanism of disease. Based on the available evidence, the clinical significance of this variant remains unclear.